The following is an entry in ClinVar:

NM_001256789.3(CACNA1F):c.25+28C>A

Gene: CACNA1F (calcium voltage-gated channel subunit alpha1 F; minus strand). Cytogenetic location: Xp11.23.
Variant type: single nucleotide variant.
Coding change: c.25+28C>A on transcript NM_001256789.3 (MANE Select); 28 bases into the intron after coding-DNA position 25, C replaced by A.
Molecular consequence: intron variant. On other transcripts: missense variant (1).
Genome position (GRCh38, 1-based): chrX:49,233,257, G>T on the plus strand (C>A on the coding strand, the complement: CACNA1F is on the minus strand). VCF-style: chrX-49233257-G-T. GRCh37 (hg19) VCF-style: chrX-49089719-G-T.
Other names: c.53C>A, p.Thr18Asn (NM_001256790.3); c.25+28C>A (NM_005183.4); c.53C>A (NM_001256790.2); short protein forms T18N.
Identifiers: ClinVar variation 4950693 (VCV004950693.2).

ClinVar aggregate classification (germline): Likely benign. Review status: criteria provided, multiple submitters, no conflicts (2 of 4 stars). 2 submissions from 2 submitters: Likely benign (2). Last evaluated 2026-06-21.

Conditions:
CACNA1F-related disorder. Also called: CACNA1F-related condition.

gnomAD v4.1: 84 of 1,206,511 alleles (0.007%); highest among the groups gnomAD compares: Non-Finnish European, 0.009%; no homozygotes.

Submissions (2):

PreventionGenetics, part of Exact Sciences
Classification: Likely benign for CACNA1F-related condition. Last evaluated: 2026-06-21. Review status: criteria provided, single submitter. Criteria: ACMG Guidelines, 2015. Collection method: clinical testing. Allele origin: germline.
Comment: This variant is classified as likely benign based on ACMG/AMP sequence variant interpretation guidelines (Richards et al. 2015 PMID: 25741868, with internal and published modifications).

Blueprint Genetics
Classification: Likely benign. Last evaluated: 2024-11-25. Review status: criteria provided, single submitter. Criteria: ACMG Guidelines, 2015. Collection method: clinical testing. Allele origin: germline.